The following is an entry in ClinVar:

NM_000179.3(MSH6):c.2934G>C (p.Gln978His)

Gene: MSH6 (mutS homolog 6; plus strand). Cytogenetic location: 2p16.3.
Variant type: single nucleotide variant.
Coding change: c.2934G>C on transcript NM_000179.3 (MANE Select); coding-DNA position 2934, G replaced by C.
Protein change: p.Gln978His; replaces glutamine 978 with histidine.
Molecular consequence: missense variant.
Genome position (GRCh38, 1-based): chr2:47,800,917, G>C. VCF-style: chr2-47800917-G-C. GRCh37 (hg19) VCF-style: chr2-48028056-G-C.
Other names: c.2544G>C, p.Gln848His (NM_001281492.2); c.2028G>C, p.Gln676His (NM_001281493.2, NM_001281494.2); short protein forms Q676H, Q978H, Q848H.
Identifiers: ClinVar variation 1424001 (VCV001424001.6), dbSNP rs751780309, ClinGen allele CA346756207.

ClinVar aggregate classification (germline): Uncertain significance (1 of 4 stars; one submission).

Conditions:
Hereditary nonpolyposis colorectal neoplasms. Identifiers: MedGen C0009405, MeSH D003123.

Submission:

Labcorp Genetics (formerly Invitae), Labcorp
Classification: Uncertain significance for Hereditary nonpolyposis colorectal neoplasms. Last evaluated: 2021-11-01. Review status: criteria provided, single submitter. Criteria: Invitae Variant Classification Sherloc (09022015). Collection method: clinical testing. Allele origin: germline.
Comment: In summary, the available evidence is currently insufficient to determine the role of this variant in disease. Therefore, it has been classified as a Variant of Uncertain Significance. Advanced modeling of protein sequence and biophysical properties (such as structural, functional, and spatial information, amino acid conservation, physicochemical variation, residue mobility, and thermodynamic stability) performed at Invitae indicates that this missense variant is expected to disrupt MSH6 protein function. This variant has not been reported in the literature in individuals affected with MSH6-related conditions. This variant is not present in population databases (gnomAD no frequency). This sequence change replaces glutamine, which is neutral and polar, with histidine, which is basic and polar, at codon 978 of the MSH6 protein (p.Gln978His).